The following is an entry in ClinVar:

NM_001126108.2(SLC12A3):c.434G>C (p.Arg145Pro)

Gene: SLC12A3 (solute carrier family 12 member 3; plus strand). Cytogenetic location: 16q13.
Variant type: single nucleotide variant.
Coding change: c.434G>C on transcript NM_001126108.2 (MANE Select); coding-DNA position 434, G replaced by C.
Protein change: p.Arg145Pro; replaces arginine 145 with proline.
Molecular consequence: missense variant.
Genome position (GRCh38, 1-based): chr16:56,868,301, G>C. VCF-style: chr16-56868301-G-C. GRCh37 (hg19) VCF-style: chr16-56902213-G-C.
Other names: c.434G>C, p.Arg145Pro (NM_000339.3); c.431G>C, p.Arg144Pro (NM_001126107.2, NM_001410896.1); short protein forms R144P, R145P.
Identifiers: ClinVar variation 3769299 (VCV003769299.2).

ClinVar aggregate classification (germline): Uncertain significance (1 of 4 stars; one submission).

gnomAD v4.1: 1 of 1,613,988 alleles (0.000062%); highest among the groups gnomAD compares: South Asian, 0.0011%; no homozygotes.

Submission:

Women's Health and Genetics/Laboratory Corporation of America, LabCorp
Classification: Uncertain significance. Last evaluated: 2025-01-03. Review status: criteria provided, single submitter. Criteria: LabCorp Variant Classification Summary - May 2015. Collection method: clinical testing. Allele origin: germline.
Comment: Variant summary: SLC12A3 c.434G>C (p.Arg145Pro) results in a non-conservative amino acid change in the encoded protein sequence. Three of five in-silico tools predict a benign effect of the variant on protein function. The variant was absent in 250802 control chromosomes. To our knowledge, no occurrence of c.434G>C in individuals affected with Familial Hypokalemia-Hypomagnesemia and no experimental evidence demonstrating its impact on protein function have been reported. Other variants affecting this codon have been classified paathogenic inClinVar (ID: 2137815, 631752).This suggests that this residue is important, and that variants that disrupt this residue are likely to be disease-causing. No submitters have cited clinical-significance assessments for this variant to ClinVar . Based on the evidence outlined above, the variant was classified as VUS-possibly pathogenic.